The following is an entry in ClinVar:

NM_007325.5(GRIA3):c.922G>T (p.Ala308Ser)

Gene: GRIA3 (glutamate ionotropic receptor AMPA type subunit 3; plus strand). Cytogenetic location: Xq25.
Variant type: single nucleotide variant.
Coding change: c.922G>T on transcript NM_007325.5 (MANE Select); coding-DNA position 922, G replaced by T.
Protein change: p.Ala308Ser; replaces alanine 308 with serine.
Molecular consequence: missense variant.
Genome position (GRCh38, 1-based): chrX:123,398,645, G>T. VCF-style: chrX-123398645-G-T. GRCh37 (hg19) VCF-style: chrX-122532496-G-T.
Other names: c.922G>T, p.Ala308Ser (NM_000828.5); short protein forms A308S.
Identifiers: ClinVar variation 1384203 (VCV001384203.6), dbSNP rs2147381064, ClinGen allele CA414258003.

ClinVar aggregate classification (germline): Uncertain significance (1 of 4 stars; one submission).

Submission:

Labcorp Genetics (formerly Invitae), Labcorp
Classification: Uncertain significance. Last evaluated: 2022-08-10. Review status: criteria provided, single submitter. Criteria: Invitae Variant Classification Sherloc (09022015). Collection method: clinical testing. Allele origin: germline.
Comment: This variant is not present in population databases (gnomAD no frequency). This variant has not been reported in the literature in individuals affected with GRIA3-related conditions. ClinVar contains an entry for this variant (Variation ID: 1384203). Algorithms developed to predict the effect of missense changes on protein structure and function are either unavailable or do not agree on the potential impact of this missense change (SIFT: "Deleterious"; PolyPhen-2: "Benign"; Align-GVGD: "Class C65"). In summary, the available evidence is currently insufficient to determine the role of this variant in disease. Therefore, it has been classified as a Variant of Uncertain Significance. This sequence change replaces alanine, which is neutral and non-polar, with serine, which is neutral and polar, at codon 308 of the GRIA3 protein (p.Ala308Ser).